The following is an entry in ClinVar:

ClinVar aggregate classification (germline): Pathogenic/Likely pathogenic. Review status: criteria provided, multiple submitters, no conflicts (2 of 4 stars). 2 submissions from 2 submitters: Pathogenic (1); Likely pathogenic (1). Last evaluated 2025-03-20.

Conditions:
Nemaline myopathy. Also called: Myopathies, Nemaline. Identifiers: Orphanet 607, MedGen C0206157, MONDO:0018958.
Nemaline myopathy 2 (NEM2). Also called: Nemaline myopathy 2, autosomal recessive. Identifiers: MedGen C1850569, MONDO:0009725, OMIM 256030.

Submissions (2):

Broad Center for Mendelian Genomics, Broad Institute of MIT and Harvard
Classification: Likely pathogenic for Nemaline myopathy. Last evaluated: 2025-03-20. Review status: criteria provided, single submitter. Criteria: ACMG Guidelines, 2015. Collection method: curation. Allele origin: germline. Inheritance: Autosomal recessive inheritance.
Comment: The p.Asp1091ThrfsTer25 variant in NEB has not been previously reported in the literature in individuals with nemaline myopathy, but has been identified in 0.0002% (2/1174396) of European (non-Finnish) chromosomes by the Genome Aggregation Database (gnomAD; dbSNP ID: rs2099386610). Although this variant has been seen in the general population in a heterozygous state, its frequency is low enough to be consistent with a recessive carrier frequency. This variant has also been reported in ClinVar (Variation ID: 950665) and has been interpreted as pathogenic by Invitae. This variant is predicted to cause a frameshift, which alters the protein‚Äôs amino acid sequence beginning at position 1091 and leads to a premature termination codon 25 amino acids downstream. This alteration is then predicted to lead to a truncated or absent protein. Loss of function of the NEB gene is an established disease mechanism in autosomal recessive nemaline myopathy. In summary, although additional studies are required to fully establish its clinical significance, this variant is likely pathogenic for autosomal recessive nemaline myopathy. ACMG/AMP Criteria applied: PVS1, PM2_supporting (Richards 2015).

Labcorp Genetics (formerly Invitae), Labcorp
Classification: Pathogenic for Nemaline myopathy 2. Last evaluated: 2019-06-25. Review status: criteria provided, single submitter. Criteria: Invitae Variant Classification Sherloc (09022015). Collection method: clinical testing. Allele origin: germline.
Comment: This sequence change creates a premature translational stop signal (p.Asp1091Thrfs*25) in the NEB gene. It is expected to result in an absent or disrupted protein product. This variant is not present in population databases (ExAC no frequency). This variant has not been reported in the literature in individuals with NEB-related conditions. Loss-of-function variants in NEB are known to be pathogenic (PMID: 25205138). For these reasons, this variant has been classified as Pathogenic.

Literature cited by the submitters: PubMed 25205138 (cited by Labcorp Genetics (formerly Invitae), Labcorp).

NM_001164508.2(NEB):c.3270del (p.Asp1091fs)

Gene: NEB (nebulin; minus strand). Cytogenetic location: 2q23.3.
Variant type: Deletion.
Coding change: c.3270del on transcript NM_001164508.2 (MANE Select); coding-DNA position 3270, one base deleted (A; older notation c.3270delA).
Protein change: p.Asp1091fs; shifts the reading frame from aspartic acid 1091.
Molecular consequence: frameshift variant.
Genome position (GRCh38, 1-based): chr2:151,678,173, T deleted on the plus strand (A on the coding strand, the reverse complement: NEB is on the minus strand); the first of 6 consecutive T bases (chr2:151,678,173-151,678,178); deleting any one gives the same sequence. VCF-style (leftmost placement, unchanged base first): chr2-151678172-CT-C. GRCh37 (hg19) VCF-style: chr2-152534686-CT-C.
Other names: NM_001164508.2(NEB):c.3270del; p.Asp1091fs; c.3270del, p.Asp1091fs (NM_001164507.2, NM_001271208.2, NM_004543.5); short protein forms D1091fs.
Identifiers: ClinVar variation 950665 (VCV000950665.8), dbSNP rs2099386610, ClinGen allele CA1139657254.
Genomic context (GRCh38, chr2:151,678,172, plus strand): 5'-GTTTAGGGTCATCTTGAAGACTTTGGAAGCCAACCATTTTCCCTTTAGCCTTTTCATAGT[CT>C]TTTTTGTACTGAACCTATTGTAAACAAAGGTGGGCATAATTTAAAATGTAGTTTTGAGGG-3'